The following is an entry in ClinVar:

NM_001374385.1(ATP8B1):c.3292del (p.Phe1097_Val1098insTer)

Genes: ATP8B1 (ATPase phospholipid transporting 8B1; minus strand), ATP8B1-AS1 (ATP8B1 antisense RNA 1; plus strand). Cytogenetic location: 18q21.31.
Variant type: Deletion.
Coding change: c.3292del on transcript NM_001374385.1 (MANE Select); coding-DNA position 3292, one base deleted (G; older notation c.3292delG).
Protein change: p.Phe1097_Val1098insTer.
Molecular consequence: nonsense.
Genome position (GRCh38, 1-based): chr18:57,652,142, C deleted on the plus strand (G on the coding strand, the reverse complement: ATP8B1 is on the minus strand). VCF-style (leftmost placement, unchanged base first): chr18-57652141-AC-A. GRCh37 (hg19) VCF-style: chr18-55319373-AC-A.
Other names: c.3142del, p.Phe1047_Val1048insTer (NM_001374386.1); c.3292del, p.Phe1097_Val1098insTer (NM_005603.6).
Identifiers: ClinVar variation 4846301 (VCV004846301.1).

ClinVar aggregate classification (germline): Pathogenic (1 of 4 stars; one submission).

Conditions:
Familial intrahepatic cholestasis. Identifiers: Orphanet 284385, MedGen CN296401, MONDO:0017290.

Submission:

Genomenon, Inc
Classification: Pathogenic for Familial intrahepatic cholestasis. Last evaluated: 2026-04-14. Review status: criteria provided, single submitter. Criteria: Genomenon Sequence Variant Interpretation Standards - Updated. Collection method: curation. Allele origin: germline. Affected: yes.
Comment: ATP8B1 p.Val1098Ter (c.3292del) is a nonsense variant that introduces a premature stop codon at amino acid position 1098, creating a truncated protein that is predicted to undergo nonsense-mediated mRNA decay. This variant has been observed in at least one proband with features of ATP8B1-deficiency (PMID:26382629). It is absent or not present at a significant frequency in gnomAD. In conclusion, we classify ATP8B1 p.Val1098Ter (c.3292del) as a pathogenic variant.

Literature cited by the submitters: PubMed 26382629.